The following is an entry in ClinVar:

ClinVar aggregate classification (germline): Likely benign. Review status: criteria provided, single submitter (1 of 4 stars). 2 submissions from 2 submitters: Likely benign (1). 1 of the submissions does not count toward it. Last evaluated 2025-12-08.

Conditions:
Werner syndrome (WRN). Identifiers: Orphanet 902, MedGen C0043119, MONDO:0010196, OMIM 277700.
WRN-related disorder. Also called: WRN-related condition.

Allele frequency attached by ClinVar (database versions not stated): gnomAD exomes 0.00002 and 0.00003; ExAC 0.00003; gnomAD 0.00003 and 0.00004; TOPMed 0.00003; ESP Exome Variant Server 0.00008.

Submissions (2):

Labcorp Genetics (formerly Invitae), Labcorp
Classification: Likely benign for Werner syndrome. Last evaluated: 2025-12-08. Review status: criteria provided, single submitter. Criteria: Invitae Variant Classification Sherloc (09022015). Collection method: clinical testing. Allele origin: germline.

PreventionGenetics, part of Exact Sciences
Classification: Likely benign for WRN-related condition. Last evaluated: 2022-02-03. Review status: no assertion criteria provided. Collection method: clinical testing. Allele origin: germline. Not counted in ClinVar's aggregate classification.
Comment: This variant is classified as likely benign based on ACMG/AMP sequence variant interpretation guidelines (Richards et al. 2015 PMID: 25741868, with internal and published modifications).

NM_000553.6(WRN):c.2274-7T>C

Gene: WRN (WRN RecQ like helicase; plus strand). Cytogenetic location: 8p12.
Variant type: single nucleotide variant.
Coding change: c.2274-7T>C on transcript NM_000553.6 (MANE Select); 7 bases into the intron before coding-DNA position 2274, T replaced by C.
Molecular consequence: intron variant.
Genome position (GRCh38, 1-based): chr8:31,116,347, T>C. VCF-style: chr8-31116347-T-C. GRCh37 (hg19) VCF-style: chr8-30973863-T-C.
Identifiers: ClinVar variation 528199 (VCV000528199.12), dbSNP rs369709714, ClinGen allele CA4704707.
Genomic context (GRCh38, chr8:31,116,347, plus strand): 5'-AAACCAAACGGGTCTGAAGCATGTATAAAGTATATATGTTTGCTCTTTTGTTCTTCTTTT[T>C]CTTTAGTTCCCACTGGGAATTTGAAGGTCCAACAATCATCTACTGTCCTTCTAGAAAAAT-3'